The following is an entry in ClinVar:

NM_198859.4(PRICKLE2):c.163T>C (p.Cys55Arg)

Gene: PRICKLE2 (prickle planar cell polarity protein 2; minus strand). Cytogenetic location: 3p14.1.
Variant type: single nucleotide variant.
Coding change: c.163T>C on transcript NM_198859.4 (MANE Select); coding-DNA position 163, T replaced by C.
Protein change: p.Cys55Arg; replaces cysteine 55 with arginine.
Molecular consequence: missense variant.
Genome position (GRCh38, 1-based): chr3:64,163,111, A>G on the plus strand (T>C on the coding strand, the complement: PRICKLE2 is on the minus strand). VCF-style: chr3-64163111-A-G. GRCh37 (hg19) VCF-style: chr3-64148787-A-G.
Other names: c.163T>C, p.Cys55Arg (NM_001370528.1); short protein forms C55R.
Identifiers: ClinVar variation 1476104 (VCV001476104.6), dbSNP rs781210176, ClinGen allele CA2479899.

ClinVar aggregate classification (germline): Uncertain significance (1 of 4 stars; one submission).

Conditions:
Progressive myoclonic epilepsy type 5. Identifiers: Orphanet 402082, MedGen C5190799.

gnomAD v4.1: 12 of 1,609,704 alleles (0.00075%); highest among the groups gnomAD compares: Admixed American, 0.018%; no homozygotes.

Submission:

Labcorp Genetics (formerly Invitae), Labcorp
Classification: Uncertain significance for Progressive myoclonic epilepsy type 5. Last evaluated: 2025-12-18. Review status: criteria provided, single submitter. Criteria: Invitae Variant Classification Sherloc (09022015). Collection method: clinical testing. Allele origin: germline.
Comment: This sequence change replaces cysteine, which is neutral and slightly polar, with arginine, which is basic and polar, at codon 55 of the PRICKLE2 protein (p.Cys55Arg). This variant is present in population databases (rs781210176, gnomAD 0.04%). This variant has not been reported in the literature in individuals affected with PRICKLE2-related conditions. ClinVar contains an entry for this variant (Variation ID: 1476104). Invitae Evidence Modeling of protein sequence and biophysical properties (such as structural, functional, and spatial information, amino acid conservation, physicochemical variation, residue mobility, and thermodynamic stability) indicates that this missense variant is expected to disrupt PRICKLE2 protein function with a positive predictive value of 80%. In summary, the available evidence is currently insufficient to determine the role of this variant in disease. Therefore, it has been classified as a Variant of Uncertain Significance.